The following is an entry in ClinVar:

ClinVar aggregate classification (germline): Uncertain significance. Review status: criteria provided, multiple submitters, no conflicts (2 of 4 stars). 2 submissions from 2 submitters: Uncertain significance (2). Last evaluated 2025-02-25.

Conditions:
Inborn genetic diseases. Identifiers: MedGen C0950123, MeSH D030342.

gnomAD v4.1: 7 of 1,608,340 alleles (0.00044%); highest among the groups gnomAD compares: Admixed American, 0.005%; no homozygotes.

Submissions (2):

Ambry Genetics
Classification: Uncertain significance for Inborn genetic diseases. Last evaluated: 2025-02-25. Review status: criteria provided, single submitter. Criteria: Ambry Variant Classification Scheme 2023. Collection method: clinical testing. Allele origin: germline.

GeneDx
Classification: Uncertain significance. Last evaluated: 2025-02-21. Review status: criteria provided, single submitter. Criteria: GeneDx Variant Classification Process June 2021. Collection method: clinical testing. Allele origin: germline. Affected: yes.
Comment: In silico analysis supports that this missense variant has a deleterious effect on protein structure/function; Has not been previously published as pathogenic or benign to our knowledge

NM_015057.5(MYCBP2):c.2885A>G (p.Tyr962Cys)

Gene: MYCBP2 (MYC binding protein 2; minus strand). Cytogenetic location: 13q22.3.
Variant type: single nucleotide variant.
Coding change: c.2885A>G on transcript NM_015057.5 (MANE Select); coding-DNA position 2885, A replaced by G.
Protein change: p.Tyr962Cys; replaces tyrosine 962 with cysteine.
Molecular consequence: missense variant.
Genome position (GRCh38, 1-based): chr13:77,224,505, T>C on the plus strand (A>G on the coding strand, the complement: MYCBP2 is on the minus strand). VCF-style: chr13-77224505-T-C. GRCh37 (hg19) VCF-style: chr13-77798640-T-C.
Other names: short protein forms Y962C.
Identifiers: ClinVar variation 3876163 (VCV003876163.2).